The following is an entry in ClinVar:

ClinVar aggregate classification (germline): Uncertain significance (1 of 4 stars; one submission).

Allele frequency attached by ClinVar (database versions not stated): gnomAD exomes below 0.00001; TOPMed 0.00001.
gnomAD v4.1: 1 of 1,613,846 alleles (0.000062%); highest among the groups gnomAD compares: Admixed American, 0.0017%; no homozygotes.

Submission:

Labcorp Genetics (formerly Invitae), Labcorp
Classification: Uncertain significance. Last evaluated: 2022-08-15. Review status: criteria provided, single submitter. Criteria: Invitae Variant Classification Sherloc (09022015). Collection method: clinical testing. Allele origin: germline.
Comment: Algorithms developed to predict the effect of missense changes on protein structure and function (SIFT, PolyPhen-2, Align-GVGD) all suggest that this variant is likely to be tolerated. This variant has not been reported in the literature in individuals affected with POLR3A-related conditions. This variant is present in population databases (no rsID available, gnomAD 0.003%). This sequence change replaces glutamic acid, which is acidic and polar, with alanine, which is neutral and non-polar, at codon 920 of the POLR3A protein (p.Glu920Ala). In summary, the available evidence is currently insufficient to determine the role of this variant in disease. Therefore, it has been classified as a Variant of Uncertain Significance.

NM_007055.4(POLR3A):c.2759A>C (p.Glu920Ala)

Gene: POLR3A (RNA polymerase III subunit A; minus strand). Cytogenetic location: 10q22.3.
Variant type: single nucleotide variant.
Coding change: c.2759A>C on transcript NM_007055.4 (MANE Select); coding-DNA position 2759, A replaced by C.
Protein change: p.Glu920Ala; replaces glutamic acid 920 with alanine.
Molecular consequence: missense variant.
Genome position (GRCh38, 1-based): chr10:77,993,225, T>G on the plus strand (A>C on the coding strand, the complement: POLR3A is on the minus strand). VCF-style: chr10-77993225-T-G. GRCh37 (hg19) VCF-style: chr10-79752983-T-G.
Other names: short protein forms E920A.
Identifiers: ClinVar variation 2169293 (VCV002169293.4), dbSNP rs1169394712, ClinGen allele CA377333956.